The following is an entry in ClinVar:

ClinVar aggregate classification (germline): Uncertain significance (1 of 4 stars; one submission).

gnomAD v4.1: 47 of 1,210,527 alleles (0.0039%); highest among the groups gnomAD compares: Non-Finnish European, 0.0049%; no homozygotes.

Submission:

Ambry Genetics
Classification: Uncertain significance. Last evaluated: 2025-12-15. Review status: criteria provided, single submitter. Criteria: Ambry Variant Classification Scheme 2023. Collection method: clinical testing. Allele origin: germline.
Comment: The c.1384G>A (p.D462N) alteration is located in exon 9 (coding exon 9) of the GABRE gene. This alteration results from a G to A substitution at nucleotide position 1384, causing the aspartic acid (D) at amino acid position 462 to be replaced by an asparagine (N). Based on data from gnomAD, the A allele has an overall frequency of 0.002% (4/183131) total alleles studied. The highest observed frequency was 0.007% (1/13855) of East Asian alleles. Based on insufficient or conflicting evidence, the clinical significance of this alteration remains unclear.

NM_004961.4(GABRE):c.1384G>A (p.Asp462Asn)

Gene: GABRE (gamma-aminobutyric acid type A receptor subunit epsilon; minus strand). Cytogenetic location: Xq28.
Variant type: single nucleotide variant.
Coding change: c.1384G>A on transcript NM_004961.4 (MANE Select); coding-DNA position 1384, G replaced by A.
Protein change: p.Asp462Asn; replaces aspartic acid 462 with asparagine.
Molecular consequence: missense variant.
Genome position (GRCh38, 1-based): chrX:151,954,838, C>T on the plus strand (G>A on the coding strand, the complement: GABRE is on the minus strand). VCF-style: chrX-151954838-C-T. GRCh37 (hg19) VCF-style: chrX-151123310-C-T.
Other names: short protein forms D462N.
Identifiers: ClinVar variation 4828192 (VCV004828192.1).